The following is an entry in ClinVar:

ClinVar aggregate classification (germline): Uncertain significance (1 of 4 stars; one submission).

Conditions:
Familial adenomatous polyposis 1 (FAP1). Also called: POLYPOSIS, ADENOMATOUS INTESTINAL; FAMILIAL ADENOMATOUS POLYPOSIS 1, ATTENUATED. Identifiers: MedGen C2713442, MONDO:0021056, OMIM 175100. Disease mechanism: loss of function.

Submission:

Labcorp Genetics (formerly Invitae), Labcorp
Classification: Uncertain significance for Familial adenomatous polyposis 1. Last evaluated: 2018-03-11. Review status: criteria provided, single submitter. Criteria: Invitae Variant Classification Sherloc (09022015). Collection method: clinical testing. Allele origin: germline.
Comment: In summary, the available evidence is currently insufficient to determine the role of this variant in disease. Therefore, it has been classified as a Variant of Uncertain Significance. Algorithms developed to predict the effect of sequence changes on RNA splicing suggest that this variant may create or strengthen a splice site, but this prediction has not been confirmed by published transcriptional studies. Algorithms developed to predict the effect of missense changes on protein structure and function do not agree on the potential impact of this missense change (SIFT: "Tolerated"; PolyPhen-2: "Probably Damaging"; Align-GVGD: "Class C0"). This variant has not been reported in the literature in individuals with APC-related disease. This variant is not present in population databases (ExAC no frequency). This sequence change replaces threonine with arginine at codon 1493 of the APC protein (p.Thr1493Arg). The threonine residue is highly conserved and there is a moderate physicochemical difference between threonine and arginine.

NM_000038.6(APC):c.4478_4479delinsGA (p.Thr1493Arg)

Gene: APC (APC regulator of Wnt signaling pathway; plus strand). Cytogenetic location: 5q22.2.
Variant type: Indel.
Coding change: c.4478_4479delinsGA on transcript NM_000038.6 (MANE Select); coding-DNA positions 4478 to 4479, CG replaced by GA.
Protein change: p.Thr1493Arg; replaces threonine 1493 with arginine.
Molecular consequence: missense variant.
Genome position (GRCh38, 1-based): chr5:112,840,072-112,840,073, CG replaced by GA. VCF-style: chr5-112840072-CG-GA. GRCh37 (hg19) VCF-style: chr5-112175769-CG-GA.
Other names: c.4424_4425delinsGA, p.Thr1475Arg (NM_001127511.3); c.4478_4479delinsGA, p.Thr1493Arg (NM_001354895.2, NM_001127510.3); c.4532_4533delinsGA, p.Thr1511Arg (NM_001354896.2); c.4508_4509delinsGA, p.Thr1503Arg (NM_001354897.2); c.4403_4404delinsGA, p.Thr1468Arg (NM_001354898.2); c.4394_4395delinsGA, p.Thr1465Arg (NM_001354899.2); c.4355_4356delinsGA, p.Thr1452Arg (NM_001354900.2); c.4301_4302delinsGA, p.Thr1434Arg (NM_001354901.2); and 5 more; short protein forms T1468R, T1333R, T1367R, T1392R, T1465R, T1493R, T1402R, T1452R.
Identifiers: ClinVar variation 575363 (VCV000575363.8), dbSNP rs1561592843, ClinGen allele CA891843022.